The following is an entry in ClinVar:

ClinVar aggregate classification (germline): Uncertain significance (1 of 4 stars; one submission).

Submission:

Labcorp Genetics (formerly Invitae), Labcorp
Classification: Uncertain significance. Last evaluated: 2024-01-25. Review status: criteria provided, single submitter. Criteria: Invitae Variant Classification Sherloc (09022015). Collection method: clinical testing. Allele origin: germline.
Comment: This sequence change creates a premature translational stop signal (p.Gln3849*) in the ZNF469 gene. While this is not anticipated to result in nonsense mediated decay, it is expected to disrupt the last 77 amino acid(s) of the ZNF469 protein. This variant is not present in population databases (gnomAD no frequency). This variant has not been reported in the literature in individuals affected with ZNF469-related conditions. Experimental studies and prediction algorithms are not available or were not evaluated, and the functional significance of this variant is currently unknown. In summary, the available evidence is currently insufficient to determine the role of this variant in disease. Therefore, it has been classified as a Variant of Uncertain Significance.

NM_001367624.2(ZNF469):c.11629C>T (p.Gln3877Ter)

Gene: ZNF469 (zinc finger protein 469; plus strand). Cytogenetic location: 16q24.2.
Variant type: single nucleotide variant.
Coding change: c.11629C>T on transcript NM_001367624.2 (MANE Select); coding-DNA position 11629, C replaced by T.
Protein change: p.Gln3877Ter; replaces glutamine 3877 with a stop codon.
Molecular consequence: nonsense.
Genome position (GRCh38, 1-based): chr16:88,439,099, C>T. VCF-style: chr16-88439099-C-T. GRCh37 (hg19) VCF-style: chr16-88505507-C-T.
Other names: short protein forms Q3877*.
Identifiers: ClinVar variation 2848584 (VCV002848584.3), dbSNP rs1297899547, ClinGen allele CA397130752.